The following is an entry in ClinVar:

NM_015450.3(POT1):c.472C>A (p.Pro158Thr)

Gene: POT1 (protection of telomeres 1; minus strand). Cytogenetic location: 7q31.33.
Variant type: single nucleotide variant.
Coding change: c.472C>A on transcript NM_015450.3 (MANE Select); coding-DNA position 472, C replaced by A.
Protein change: p.Pro158Thr; replaces proline 158 with threonine.
Molecular consequence: missense variant. On other transcripts: non-coding transcript variant (3).
Genome position (GRCh38, 1-based): chr7:124,863,424, G>T on the plus strand (C>A on the coding strand, the complement: POT1 is on the minus strand). VCF-style: chr7-124863424-G-T. GRCh37 (hg19) VCF-style: chr7-124503478-G-T.
Other names: c.79C>A, p.Pro27Thr (NM_001042594.2); short protein forms P158T, P27T.
Identifiers: ClinVar variation 2039776 (VCV002039776.4), dbSNP rs2116541599, ClinGen allele CA369059052.

ClinVar aggregate classification (germline): Uncertain significance (1 of 4 stars; one submission).

Conditions:
Tumor predisposition syndrome 3 (TPDS3). Also called: Melanoma, cutaneous malignant, susceptibility to, 10; Glioma susceptibility 9; LONG TELOMERE SYNDROME, POT1-RELATED; POT1 Tumor Predisposition. Identifiers: Orphanet 618, MedGen C4014476, MONDO:0014368, OMIM 615848.

Submission:

Labcorp Genetics (formerly Invitae), Labcorp
Classification: Uncertain significance for Tumor predisposition syndrome 3. Last evaluated: 2021-12-11. Review status: criteria provided, single submitter. Criteria: Invitae Variant Classification Sherloc (09022015). Collection method: clinical testing. Allele origin: germline.
Comment: In summary, the available evidence is currently insufficient to determine the role of this variant in disease. Therefore, it has been classified as a Variant of Uncertain Significance. Algorithms developed to predict the effect of missense changes on protein structure and function are either unavailable or do not agree on the potential impact of this missense change (SIFT: "Deleterious"; PolyPhen-2: "Benign"; Align-GVGD: "Class C0"). This variant has not been reported in the literature in individuals affected with POT1-related conditions. This variant is not present in population databases (gnomAD no frequency). This sequence change replaces proline, which is neutral and non-polar, with threonine, which is neutral and polar, at codon 158 of the POT1 protein (p.Pro158Thr).